The following is an entry in ClinVar:

NM_138387.4(G6PC3):c.205C>T (p.Leu69Phe)

Genes: G6PC3 (glucose-6-phosphatase catalytic subunit 3; plus strand), LOC130060959 (ATAC-STARR-seq lymphoblastoid active region 12250; plus strand). Cytogenetic location: 17q21.31.
Variant type: single nucleotide variant.
Coding change: c.205C>T on transcript NM_138387.4 (MANE Select); coding-DNA position 205, C replaced by T.
Protein change: p.Leu69Phe; replaces leucine 69 with phenylalanine.
Molecular consequence: missense variant. On other transcripts: 5 prime UTR variant (3), intron variant (1).
Genome position (GRCh38, 1-based): chr17:44,071,170, C>T. VCF-style: chr17-44071170-C-T. GRCh37 (hg19) VCF-style: chr17-42148538-C-T.
Other names: c.205C>T, p.Leu69Phe (NM_001319945.2); c.-200C>T (NM_001384165.1); c.-335C>T (NM_001384166.1); c.-325C>T (NM_001384167.1); c.-312+456C>T (NM_001384168.1); short protein forms L69F.
Identifiers: ClinVar variation 4260996 (VCV004260996.1).
Genomic context (GRCh38, chr17:44,071,170, plus strand): 5'-GCCTCCCGCCGTGTGGGCATCGCGGTGCTCTGGATCAGCCTCATCACCGAGTGGCTCAAC[C>T]TCATCTTCAAGTGGTGAGACAGAGAAGCCCTCCGGCATCCTGGTCCCCACCCCCGAGGGC-3'
Protein context (NP_612396.1, residues 59-79): WISLITEWLN[Leu69Phe]IFKWFLFGDR

ClinVar aggregate classification (germline): Uncertain significance (1 of 4 stars; one submission).

Conditions:
Inborn genetic diseases. Identifiers: MedGen C0950123, MeSH D030342.

Submission:

Ambry Genetics
Classification: Uncertain significance for Inborn genetic diseases. Last evaluated: 2025-08-14. Review status: criteria provided, single submitter. Criteria: Ambry Variant Classification Scheme 2023. Collection method: clinical testing. Allele origin: germline.
Comment: The p.L69F variant (also known as c.205C>T), located in coding exon 1 of the G6PC3 gene, results from a C to T substitution at nucleotide position 205. The leucine at codon 69 is replaced by phenylalanine, an amino acid with highly similar properties. This amino acid position is conserved. In addition, the in silico prediction for this alteration is inconclusive. Based on the available evidence, the clinical significance of this variant remains unclear.